The following is an entry in ClinVar:

NM_000287.4(PEX6):c.1681C>T (p.Leu561Phe)

Gene: PEX6 (peroxisomal biogenesis factor 6; minus strand). Cytogenetic location: 6p21.1.
Variant type: single nucleotide variant.
Coding change: c.1681C>T on transcript NM_000287.4 (MANE Select); coding-DNA position 1681, C replaced by T.
Protein change: p.Leu561Phe; replaces leucine 561 with phenylalanine.
Molecular consequence: missense variant. On other transcripts: non-coding transcript variant (1).
Genome position (GRCh38, 1-based): chr6:42,968,297, G>A on the plus strand (C>T on the coding strand, the complement: PEX6 is on the minus strand). VCF-style: chr6-42968297-G-A. GRCh37 (hg19) VCF-style: chr6-42936035-G-A.
Other names: c.1417C>T, p.Leu473Phe (NM_001316313.2); short protein forms L473F, L561F.
Identifiers: ClinVar variation 2049318 (VCV002049318.1), dbSNP rs2481223695, ClinGen allele CA364154021.

ClinVar aggregate classification (germline): Uncertain significance (1 of 4 stars; one submission).

Conditions:
Peroxisome biogenesis disorder. Identifiers: Orphanet 79189, MedGen C1832200, MONDO:0019234. Disease mechanism: loss of function.

Allele frequency attached by ClinVar (database versions not stated): gnomAD exomes below 0.00001.
gnomAD v4.1: 1 of 1,613,602 alleles (0.000062%); highest among the groups gnomAD compares: Non-Finnish European, 0.000085%; no homozygotes.

Submission:

Labcorp Genetics (formerly Invitae), Labcorp
Classification: Uncertain significance for Peroxisome biogenesis disorder. Last evaluated: 2022-07-06. Review status: criteria provided, single submitter. Criteria: Invitae Variant Classification Sherloc (09022015). Collection method: clinical testing. Allele origin: germline.
Comment: This sequence change replaces leucine, which is neutral and non-polar, with phenylalanine, which is neutral and non-polar, at codon 561 of the PEX6 protein (p.Leu561Phe). This variant is not present in population databases (gnomAD no frequency). This variant has not been reported in the literature in individuals affected with PEX6-related conditions. Algorithms developed to predict the effect of missense changes on protein structure and function output the following: SIFT: "Tolerated"; PolyPhen-2: "Benign"; Align-GVGD: "Class C0". The phenylalanine amino acid residue is found in multiple mammalian species, which suggests that this missense change does not adversely affect protein function. In summary, the available evidence is currently insufficient to determine the role of this variant in disease. Therefore, it has been classified as a Variant of Uncertain Significance.